The following is an entry in ClinVar:

ClinVar aggregate classification (germline): Uncertain significance. Review status: criteria provided, multiple submitters, no conflicts (2 of 4 stars). 2 submissions from 2 submitters: Uncertain significance (2). Last evaluated 2025-10-11.

Conditions:
Candidiasis, familial, 9 (CANDF9). Identifiers: Orphanet 1334, MedGen C4225324, MONDO:0014642, OMIM 616445.

Allele frequency attached by ClinVar (database versions not stated): gnomAD exomes 0.00003 and 0.00010; ExAC 0.00006; TOPMed 0.00006; gnomAD 0.00007.
gnomAD v4.1: 61 of 1,614,098 alleles (0.0038%); highest among the groups gnomAD compares: Middle Eastern, 0.016%; no homozygotes.

Submissions (2):

Labcorp Genetics (formerly Invitae), Labcorp
Classification: Uncertain significance for Candidiasis, familial, 9. Last evaluated: 2025-10-11. Review status: criteria provided, single submitter. Criteria: Invitae Variant Classification Sherloc (09022015). Collection method: clinical testing. Allele origin: germline.
Comment: This sequence change replaces arginine, which is basic and polar, with cysteine, which is neutral and slightly polar, at codon 207 of the IL17RC protein (p.Arg207Cys). This variant is present in population databases (rs747284516, gnomAD 0.1%), and has an allele count higher than expected for a pathogenic variant. This variant has not been reported in the literature in individuals affected with IL17RC-related conditions. ClinVar contains an entry for this variant (Variation ID: 998838). An algorithm developed to predict the effect of missense changes on protein structure and function (PolyPhen-2) suggests that this variant is likely to be disruptive. In summary, the available evidence is currently insufficient to determine the role of this variant in disease. Therefore, it has been classified as a Variant of Uncertain Significance.

Ambry Genetics
Classification: Uncertain significance. Last evaluated: 2024-01-09. Review status: criteria provided, single submitter. Criteria: Ambry Variant Classification Scheme 2023. Collection method: clinical testing. Allele origin: germline.

NM_153460.4(IL17RC):c.406C>T (p.Arg136Cys)

Gene: IL17RC (interleukin 17 receptor C; plus strand). Cytogenetic location: 3p25.3.
Variant type: single nucleotide variant.
Coding change: c.406C>T on transcript NM_153460.4 (MANE Select); coding-DNA position 406, C replaced by T.
Protein change: p.Arg136Cys; replaces arginine 136 with cysteine.
Molecular consequence: missense variant. On other transcripts: non-coding transcript variant (1).
Genome position (GRCh38, 1-based): chr3:9,918,550, C>T. VCF-style: chr3-9918550-C-T. GRCh37 (hg19) VCF-style: chr3-9960234-C-T.
Other names: c.619C>T (NM_153461.3); c.406C>T, p.Arg136Cys (NM_001203263.2, NM_001203264.2, NM_001203265.2 and 3 more transcripts); c.331C>T, p.Arg111Cys (NM_001367279.1); c.619C>T, p.Arg207Cys (NM_153461.4); short protein forms R111C, R136C, R207C.
Identifiers: ClinVar variation 998838 (VCV000998838.6), dbSNP rs747284516, ClinGen allele CA2246832.